The following is an entry in ClinVar:

ClinVar aggregate classification (germline): Likely benign. Review status: criteria provided, single submitter (1 of 4 stars). 2 submissions from 2 submitters: Likely benign (1). 1 of the submissions does not count toward it. Last evaluated 2024-12-01.

Conditions:
SP8-related disorder. Also called: SP8-related condition.

Allele frequency attached by ClinVar (database versions not stated): gnomAD 0.00007; ExAC 0.00008.
gnomAD v4.1: 269 of 1,023,822 alleles (0.026%); highest among the groups gnomAD compares: Middle Eastern, 0.16%; no homozygotes.

Submissions (2):

CeGaT Center for Human Genetics Tuebingen
Classification: Likely benign. Last evaluated: 2024-12-01. Review status: criteria provided, single submitter. Criteria: CeGaT Center For Human Genetics Tuebingen Variant Classification Criteria Version 2. Collection method: clinical testing. Allele origin: germline. Affected: yes. Observed: 1 variant allele.
Comment: SP8: BP4, BP7

PreventionGenetics, part of Exact Sciences
Classification: Likely benign for SP8-related condition. Last evaluated: 2019-03-05. Review status: no assertion criteria provided. Collection method: clinical testing. Allele origin: germline. Not counted in ClinVar's aggregate classification.
Comment: This variant is classified as likely benign based on ACMG/AMP sequence variant interpretation guidelines (Richards et al. 2015 PMID: 25741868, with internal and published modifications).

NM_182700.6(SP8):c.276A>C (p.Ala92=)

Gene: SP8 (Sp8 transcription factor; minus strand). Cytogenetic location: 7p21.1.
Variant type: single nucleotide variant.
Coding change: c.276A>C on transcript NM_182700.6 (MANE Select); coding-DNA position 276, A replaced by C.
Protein change: p.Ala92=; no amino-acid change (alanine 92 retained).
Molecular consequence: synonymous variant.
Genome position (GRCh38, 1-based): chr7:20,785,541, T>G on the plus strand (A>C on the coding strand, the complement: SP8 is on the minus strand). VCF-style: chr7-20785541-T-G. GRCh37 (hg19) VCF-style: chr7-20825160-T-G.
Other names: c.222A>C, p.Ala74= (NM_198956.4).
Identifiers: ClinVar variation 3042421 (VCV003042421.15), dbSNP rs1342357082, ClinGen allele CA4177965.